The following is an entry in ClinVar:

NM_014915.3(ANKRD26):c.2585A>C (p.Gln862Pro)

Gene: ANKRD26 (ankyrin repeat domain 26; minus strand). Cytogenetic location: 10p12.1.
Variant type: single nucleotide variant.
Coding change: c.2585A>C on transcript NM_014915.3 (MANE Select); coding-DNA position 2585, A replaced by C.
Protein change: p.Gln862Pro; replaces glutamine 862 with proline.
Molecular consequence: missense variant.
Genome position (GRCh38, 1-based): chr10:27,037,298, T>G on the plus strand (A>C on the coding strand, the complement: ANKRD26 is on the minus strand). VCF-style: chr10-27037298-T-G. GRCh37 (hg19) VCF-style: chr10-27326227-T-G.
Other names: c.2582A>C, p.Gln861Pro (NM_001256053.2); short protein forms Q861P, Q862P.
Identifiers: ClinVar variation 4579665 (VCV004579665.1).

ClinVar aggregate classification (germline): Uncertain significance (1 of 4 stars; one submission).

Conditions:
Inborn genetic diseases. Identifiers: MedGen C0950123, MeSH D030342.

Submission:

Ambry Genetics
Classification: Uncertain significance for Inborn genetic diseases. Last evaluated: 2025-10-28. Review status: criteria provided, single submitter. Criteria: Ambry Variant Classification Scheme 2023. Collection method: clinical testing. Allele origin: germline.
Comment: The p.Q862P variant (also known as c.2585A>C), located in coding exon 23 of the ANKRD26 gene, results from an A to C substitution at nucleotide position 2585. The glutamine at codon 862 is replaced by proline, an amino acid with similar properties. This amino acid position is conserved. In addition, this alteration is predicted to be tolerated by in silico analysis. Based on the available evidence, the clinical significance of this variant remains unclear.